The following is an entry in ClinVar:

ClinVar aggregate classification (germline): Pathogenic/Likely pathogenic. Review status: criteria provided, multiple submitters, no conflicts (2 of 4 stars). 2 submissions from 2 submitters: Pathogenic (1); Likely pathogenic (1). Last evaluated 2023-09-14.

Conditions:
Breast and/or ovarian cancer. Identifiers: MedGen CN221562.
Familial cancer of breast. Also called: Hereditary breast cancer; BREAST CANCER, FAMILIAL; hereditary breast carcinoma. Identifiers: Orphanet 227535, MedGen C0346153, MONDO:0016419, OMIM 114480. Disease mechanism: loss of function.

Submissions (2):

Myriad Genetics, Inc.
Classification: Pathogenic for Familial cancer of breast. Last evaluated: 2023-09-14. Review status: criteria provided, single submitter. Criteria: Myriad Autosomal Dominant, Autosomal Recessive and X-Linked Classification Criteria (2023). Collection method: clinical testing. Allele origin: unknown.
Comment: This variant is considered pathogenic. This variant creates a frameshift predicted to result in premature protein truncation.

CHEO Genetics Diagnostic Laboratory, Children's Hospital of Eastern Ontario
Classification: Likely pathogenic for Breast and/or ovarian cancer. Last evaluated: 2023-03-27. Review status: criteria provided, single submitter. Criteria: ACMG Guidelines, 2015. Collection method: clinical testing. Allele origin: germline.

NM_024675.4(PALB2):c.3291_3300delinsACG (p.Lys1098fs)

Gene: PALB2 (partner and localizer of BRCA2; minus strand). Cytogenetic location: 16p12.2.
Variant type: Indel.
Coding change: c.3291_3300delinsACG on transcript NM_024675.4 (MANE Select); coding-DNA positions 3291 to 3300, TAAGACGACT replaced by ACG.
Protein change: p.Lys1098fs; shifts the reading frame from lysine 1098.
Molecular consequence: frameshift variant. On other transcripts: intron variant (8).
Genome position (GRCh38, 1-based): chr16:23,607,914-23,607,923, AGTCGTCTTA replaced by CGT on the plus strand (TAAGACGACT replaced by ACG on the coding strand, the reverse complement: PALB2 is on the minus strand). VCF-style: chr16-23607914-AGTCGTCTTA-CGT. GRCh37 (hg19) VCF-style: chr16-23619235-AGTCGTCTTA-CGT.
Other names: c.3231_3240delinsACG, p.Lys1078fs (NM_001407296.1); c.3219_3228delinsACG, p.Lys1074fs (NM_001407297.1); c.3129_3138delinsACG, p.Lys1044fs (NM_001407298.1); c.3012_3021delinsACG, p.Lys1005fs (NM_001407300.1); c.2406_2415delinsACG, p.Lys803fs (NM_001407304.1, NM_001407305.1, NM_001407306.1); c.2244_2253delinsACG, p.Lys749fs (NM_001407307.1); c.1503_1512delinsACG, p.Lys502fs (NM_001407312.1); c.825_834delinsACG, p.Lys276fs (NM_001407314.1); and 6 more; short protein forms K1005fs, K1044fs, K1074fs, K1078fs, K1098fs, K276fs, K502fs, K749fs.
Identifiers: ClinVar variation 2674181 (VCV002674181.2), dbSNP rs2506215298, ClinGen allele CA2695197587.